The following is an entry in ClinVar:

NM_000393.5(COL5A2):c.2264C>G (p.Thr755Arg)

Gene: COL5A2 (collagen type V alpha 2 chain; minus strand). Cytogenetic location: 2q32.2.
Variant type: single nucleotide variant.
Coding change: c.2264C>G on transcript NM_000393.5 (MANE Select); coding-DNA position 2264, C replaced by G.
Protein change: p.Thr755Arg; replaces threonine 755 with arginine.
Molecular consequence: missense variant.
Genome position (GRCh38, 1-based): chr2:189,057,393, G>C on the plus strand (C>G on the coding strand, the complement: COL5A2 is on the minus strand). VCF-style: chr2-189057393-G-C. GRCh37 (hg19) VCF-style: chr2-189922119-G-C.
Other names: short protein forms T755R.
Identifiers: ClinVar variation 1308173 (VCV001308173.2), dbSNP rs2105575372, ClinGen allele CA349874145.

ClinVar aggregate classification (germline): Uncertain significance (1 of 4 stars; one submission).

Allele frequency attached by ClinVar (database versions not stated): gnomAD exomes below 0.00001.
gnomAD v4.1: 6 of 1,612,936 alleles (0.00037%); highest among the groups gnomAD compares: Non-Finnish European, 0.00051%; no homozygotes.

Submission:

GeneDx
Classification: Uncertain significance. Last evaluated: 2019-08-30. Review status: criteria provided, single submitter. Criteria: GeneDx Variant Classification Process June 2021. Collection method: clinical testing. Allele origin: germline. Affected: yes.
Comment: Not observed in large population cohorts (Lek et al., 2016); In silico analysis, which includes protein predictors and evolutionary conservation, supports that this variant does not alter protein structure/function; Has not been previously published as pathogenic or benign to our knowledge